The following is an entry in ClinVar:

ClinVar aggregate classification (germline): Uncertain significance (0 of 4 stars; one submission).

Conditions:
MRAP2-related disorder. Also called: MRAP2-related condition.

Submission:

PreventionGenetics, part of Exact Sciences
Classification: Uncertain significance for MRAP2-related condition. Last evaluated: 2023-12-19. Review status: no assertion criteria provided. Collection method: clinical testing. Allele origin: germline.
Comment: The MRAP2 c.116delA variant is predicted to result in a frameshift and premature protein termination (p.Lys39Argfs*8). To our knowledge, this variant has not been reported in the literature or in a large population database, indicating this variant is rare. However, loss of function variants in MRAP2 have been reported in individuals with an obesity phenotype (see, for example, Asai et al. 2013. PubMed ID: 23869016). Although we suspect that this variant may be pathogenic, at this time, the clinical significance of this variant is uncertain due to the absence of conclusive functional and genetic evidence.

NM_138409.4(MRAP2):c.116del (p.Lys39fs)

Gene: MRAP2 (melanocortin 2 receptor accessory protein 2; plus strand). Cytogenetic location: 6q14.2.
Variant type: Deletion.
Coding change: c.116del on transcript NM_138409.4 (MANE Select); coding-DNA position 116, one base deleted (A; older notation c.116delA).
Protein change: p.Lys39fs; shifts the reading frame from lysine 39.
Molecular consequence: frameshift variant. On other transcripts: 5 prime UTR variant (2).
Genome position (GRCh38, 1-based): chr6:84,055,434, A deleted; the last of 2 consecutive A bases (chr6:84,055,433-84,055,434); deleting either gives the same sequence. VCF-style (leftmost placement, unchanged base first): chr6-84055432-GA-G. GRCh37 (hg19) VCF-style: chr6-84765151-GA-G.
Other names: c.-43del (NM_001346541.2); c.116del, p.Lys39fs (NM_001346542.2, NM_001346544.2); c.-144del (NM_001346543.2); short protein forms K39fs.
Identifiers: ClinVar variation 3348292 (VCV003348292.1).